The following is an entry in ClinVar:

NM_015057.5(MYCBP2):c.5958G>C (p.Gln1986His)

Gene: MYCBP2 (MYC binding protein 2; minus strand). Cytogenetic location: 13q22.3.
Variant type: single nucleotide variant.
Coding change: c.5958G>C on transcript NM_015057.5 (MANE Select); coding-DNA position 5958, G replaced by C.
Protein change: p.Gln1986His; replaces glutamine 1986 with histidine.
Molecular consequence: missense variant.
Genome position (GRCh38, 1-based): chr13:77,168,584, C>G on the plus strand (G>C on the coding strand, the complement: MYCBP2 is on the minus strand). VCF-style: chr13-77168584-C-G. GRCh37 (hg19) VCF-style: chr13-77742719-C-G.
Other names: short protein forms Q1986H.
Identifiers: ClinVar variation 3348820 (VCV003348820.2).

ClinVar aggregate classification (germline): Uncertain significance (1 of 4 stars; one submission).

Conditions:
MYCBP2-related disorder. Also called: MYCBP2-related condition.

Submission:

PreventionGenetics, part of Exact Sciences
Classification: Uncertain significance for MYCBP2-related condition. Last evaluated: 2025-12-09. Review status: criteria provided, single submitter. Criteria: ACMG Guidelines, 2015. Collection method: clinical testing. Allele origin: germline.
Comment: The MYCBP2 c.5958G>C variant is predicted to result in the amino acid substitution p.Gln1986His. To our knowledge, this variant has not been reported in the literature or in a large population database (gnomAD), indicating this variant is rare. At this time, the clinical significance of this variant is uncertain due to the absence of conclusive functional and genetic evidence.